The following is an entry in ClinVar:

ClinVar aggregate classification (germline): Pathogenic (1 of 4 stars; one submission).

Conditions:
Biotin-responsive basal ganglia disease (BTBGD). Also called: Thiamine metabolism dysfunction syndrome type 2; THIAMINE METABOLISM DYSFUNCTION SYNDROME 2 (BIOTIN- AND THIAMINE-RESPONSIVE TYPE); Thiamine metabolism dysfunction syndrome 2 (biotin- or thiamine-responsive encephalopathy type 2); thiamine-responsive encephalopathy; Thiamine Transporter-2 Deficiency. Identifiers: Orphanet 199348, Orphanet 65284, MedGen C1843807, MONDO:0011841, OMIM 607483.

Submission:

Labcorp Genetics (formerly Invitae), Labcorp
Classification: Pathogenic for Biotin-responsive basal ganglia disease. Last evaluated: 2023-12-05. Review status: criteria provided, single submitter. Criteria: Invitae Variant Classification Sherloc (09022015). Collection method: clinical testing. Allele origin: germline.
Comment: This sequence change creates a premature translational stop signal (p.Asp43Argfs*2) in the SLC19A3 gene. It is expected to result in an absent or disrupted protein product. Loss-of-function variants in SLC19A3 are known to be pathogenic (PMID: 23423671, 23482991). This variant is not present in population databases (gnomAD no frequency). This variant has not been reported in the literature in individuals affected with SLC19A3-related conditions. For these reasons, this variant has been classified as Pathogenic.

Literature cited by the submitters: PubMed 23423671; PubMed 23482991.

NM_025243.4(SLC19A3):c.125dup (p.Asp43fs)

Gene: SLC19A3 (solute carrier family 19 member 3; minus strand). Cytogenetic location: 2q36.3.
Variant type: Duplication.
Coding change: c.125dup on transcript NM_025243.4 (MANE Select); coding-DNA position 125, one base duplicated (C; older notation c.125dupC).
Protein change: p.Asp43fs; shifts the reading frame from aspartic acid 43.
Molecular consequence: frameshift variant. On other transcripts: 5 prime UTR variant (2).
Genome position (GRCh38, 1-based): chr2:227,702,194, G duplicated on the plus strand (C on the coding strand, the reverse complement: SLC19A3 is on the minus strand); the first of 2 consecutive G bases (chr2:227,702,194-227,702,195); duplicating either gives the same sequence. VCF-style (leftmost placement, unchanged base first): chr2-227702193-T-TG. GRCh37 (hg19) VCF-style: chr2-228566909-T-TG.
Other names: c.125dup, p.Asp43fs (NM_001371411.1, NM_001371412.1); c.-84dup (NM_001371413.1, NM_001371414.1); short protein forms D43fs.
Identifiers: ClinVar variation 2762268 (VCV002762268.3), dbSNP rs866002450, ClinGen allele CA66662654.